The following is an entry in ClinVar:

NM_001290043.2(TAP2):c.1091A>G (p.Gln364Arg)

Gene: TAP2 (transporter 2, ATP binding cassette subfamily B member; minus strand). Cytogenetic location: 6p21.32.
Variant type: single nucleotide variant.
Coding change: c.1091A>G on transcript NM_001290043.2 (MANE Select); coding-DNA position 1091, A replaced by G.
Protein change: p.Gln364Arg; replaces glutamine 364 with arginine.
Molecular consequence: missense variant.
Genome position (GRCh38, 1-based): chr6:32,832,679, T>C on the plus strand (A>G on the coding strand, the complement: TAP2 is on the minus strand). VCF-style: chr6-32832679-T-C. GRCh37 (hg19) VCF-style: chr6-32800456-T-C.
Other names: c.1091A>G, p.Gln364Arg (NM_000544.3, NM_018833.3); short protein forms Q364R.
Identifiers: ClinVar variation 942172 (VCV000942172.7), dbSNP rs145030658, ClinGen allele CA3746000.

ClinVar aggregate classification (germline): Uncertain significance. Review status: criteria provided, multiple submitters, no conflicts (2 of 4 stars). 2 submissions from 2 submitters: Uncertain significance (2). Last evaluated 2021-09-01.

Conditions:
Inborn genetic diseases. Identifiers: MedGen C0950123, MeSH D030342.
MHC class I deficiency. Identifiers: Orphanet 34592, MedGen C6024714, MONDO:0011476.

Allele frequency attached by ClinVar (database versions not stated): gnomAD 0.00004; ESP Exome Variant Server 0.00012; gnomAD exomes 0.00001; ExAC 0.00002; TOPMed 0.00006.
gnomAD v4.1: 22 of 1,612,956 alleles (0.0014%); highest among the groups gnomAD compares: Non-Finnish European, 0.0018%; no homozygotes.

Submissions (2):

Labcorp Genetics (formerly Invitae), Labcorp
Classification: Uncertain significance for MHC class I deficiency 1. Last evaluated: 2021-09-01. Review status: criteria provided, single submitter. Criteria: Invitae Variant Classification Sherloc (09022015). Collection method: clinical testing. Allele origin: germline.
Comment: This sequence change replaces glutamine with arginine at codon 364 of the TAP2 protein (p.Gln364Arg). The glutamine residue is moderately conserved and there is a small physicochemical difference between glutamine and arginine. This variant is present in population databases (rs145030658, ExAC 0.003%). This variant has not been reported in the literature in individuals affected with TAP2-related conditions. Algorithms developed to predict the effect of missense changes on protein structure and function output the following: SIFT: "Tolerated"; PolyPhen-2: "Not Available"; Align-GVGD: "Class C0". The arginine amino acid residue is found in multiple mammalian species, which suggests that this missense change does not adversely affect protein function. In summary, the available evidence is currently insufficient to determine the role of this variant in disease. Therefore, it has been classified as a Variant of Uncertain Significance.

Ambry Genetics
Classification: Uncertain significance for Inborn genetic diseases. Last evaluated: 2021-08-06. Review status: criteria provided, single submitter. Criteria: Ambry Variant Classification Scheme 2023. Collection method: clinical testing. Allele origin: germline.